The following is an entry in ClinVar:

NM_001429.4(EP300):c.4331A>G (p.Asp1444Gly)

Gene: EP300 (EP300 lysine acetyltransferase; plus strand). Cytogenetic location: 22q13.2.
Variant type: single nucleotide variant.
Coding change: c.4331A>G on transcript NM_001429.4 (MANE Select); coding-DNA position 4331, A replaced by G.
Protein change: p.Asp1444Gly; replaces aspartic acid 1444 with glycine.
Molecular consequence: missense variant.
Genome position (GRCh38, 1-based): chr22:41,170,450, A>G. VCF-style: chr22-41170450-A-G. GRCh37 (hg19) VCF-style: chr22-41566454-A-G.
Other names: c.4253A>G, p.Asp1418Gly (NM_001362843.2); short protein forms D1444G, D1418G.
Identifiers: ClinVar variation 577113 (VCV000577113.11), dbSNP rs1569117388, ClinGen allele CA411702122.

ClinVar aggregate classification (germline): Uncertain significance (1 of 4 stars; one submission).

Conditions:
Rubinstein-Taybi syndrome due to EP300 haploinsufficiency. Also called: RUBINSTEIN-TAYBI SYNDROME 2; EP300-Related Rubinstein-Taybi Syndrome. Identifiers: Orphanet 353284, Orphanet 783, MedGen C3150941, MONDO:0013364, OMIM 613684.

Submission:

Labcorp Genetics (formerly Invitae), Labcorp
Classification: Uncertain significance for Rubinstein-Taybi syndrome due to EP300 haploinsufficiency. Last evaluated: 2018-02-07. Review status: criteria provided, single submitter. Criteria: Invitae Variant Classification Sherloc (09022015). Collection method: clinical testing. Allele origin: germline.
Comment: In summary, the available evidence is currently insufficient to determine the role of this variant in disease. Therefore, it has been classified as a Variant of Uncertain Significance. Algorithms developed to predict the effect of sequence changes on RNA splicing suggest that this variant may create or strengthen a splice site, but this prediction has not been confirmed by published transcriptional studies. Algorithms developed to predict the effect of missense changes on protein structure and function (SIFT, PolyPhen-2, Align-GVGD) all suggest that this variant is likely to be disruptive, but these predictions have not been confirmed by published functional studies and their clinical significance is uncertain. This variant has not been reported in the literature in individuals with EP300-related disease. This variant is not present in population databases (ExAC no frequency). This sequence change replaces aspartic acid with glycine at codon 1444 of the EP300 protein (p.Asp1444Gly). The aspartic acid residue is highly conserved and there is a moderate physicochemical difference between aspartic acid and glycine.